The following is an entry in ClinVar:

NM_024598.4(USB1):c.281A>T (p.Glu94Val)

Gene: USB1 (U6 snRNA biogenesis phosphodiesterase 1; plus strand). Cytogenetic location: 16q21.
Variant type: single nucleotide variant.
Coding change: c.281A>T on transcript NM_024598.4 (MANE Select); coding-DNA position 281, A replaced by T.
Protein change: p.Glu94Val; replaces glutamic acid 94 with valine.
Molecular consequence: missense variant.
Genome position (GRCh38, 1-based): chr16:58,009,944, A>T. VCF-style: chr16-58009944-A-T. GRCh37 (hg19) VCF-style: chr16-58043848-A-T.
Other names: c.281A>T, p.Glu94Val (NM_001195302.2, NM_001204911.2, NM_001330569.2); c.128A>T, p.Glu43Val (NM_001330568.2); short protein forms E43V, E94V.
Identifiers: ClinVar variation 3978141 (VCV003978141.1).
Genomic context (GRCh38, chr16:58,009,944, plus strand): 5'-CCTTGGCTGAGAGAACGGCCCGCCCTCTTTACTCCTCCCCTCCAGATGAAGCCAAGGAGG[A>T]GTTCCTGGATCTGCTTGATGTGTTGCTGCCCCATGCCCAGACATATGTCCCCCGGCTGGT-3'
Protein context (NP_078874.2, residues 84-104): HVYVPYEAKE[Glu94Val]FLDLLDVLLP

ClinVar aggregate classification (germline): Uncertain significance (1 of 4 stars; one submission).

Conditions:
Inborn genetic diseases. Identifiers: MedGen C0950123, MeSH D030342.

gnomAD v4.1: 3 of 1,613,506 alleles (0.00019%); highest among the groups gnomAD compares: Non-Finnish European, 0.00025%; no homozygotes.

Submission:

Ambry Genetics
Classification: Uncertain significance for Inborn genetic diseases. Last evaluated: 2025-03-26. Review status: criteria provided, single submitter. Criteria: Ambry Variant Classification Scheme 2023. Collection method: clinical testing. Allele origin: germline.
Comment: The p.E94V variant (also known as c.281A>T), located in coding exon 3 of the USB1 gene, results from an A to T substitution at nucleotide position 281. The glutamic acid at codon 94 is replaced by valine, an amino acid with dissimilar properties. This amino acid position is conserved. In addition, this alteration is predicted to be tolerated by in silico analysis. Based on the available evidence, the clinical significance of this variant remains unclear.